The following is an entry in ClinVar:

NM_006563.5(KLF1):c.100G>A (p.Glu34Lys)

Genes: KLF1 (KLF transcription factor 1; minus strand), LOC117125592 (CRISPRi-FlowFISH-validated CALR, DHPS, JUNB, PRDX2, RAD23A, RNASEH2A and WDR83OS regulatory element; plus strand). Cytogenetic location: 19p13.13.
Variant type: single nucleotide variant.
Coding change: c.100G>A on transcript NM_006563.5 (MANE Select); coding-DNA position 100, G replaced by A.
Protein change: p.Glu34Lys; replaces glutamic acid 34 with lysine.
Molecular consequence: missense variant.
Genome position (GRCh38, 1-based): chr19:12,886,130, C>T on the plus strand (G>A on the coding strand, the complement: KLF1 is on the minus strand). VCF-style: chr19-12886130-C-T. GRCh37 (hg19) VCF-style: chr19-12996944-C-T.
Other names: short protein forms E34K.
Identifiers: ClinVar variation 3006420 (VCV003006420.3), dbSNP rs368908352, ClinGen allele CA9234103.

ClinVar aggregate classification (germline): Uncertain significance (1 of 4 stars; one submission).

Allele frequency attached by ClinVar (database versions not stated): ExAC 0.00001; gnomAD exomes 0.00001; ESP Exome Variant Server 0.00008.

Submission:

Labcorp Genetics (formerly Invitae), Labcorp
Classification: Uncertain significance. Last evaluated: 2023-10-13. Review status: criteria provided, single submitter. Criteria: Invitae Variant Classification Sherloc (09022015). Collection method: clinical testing. Allele origin: germline.
Comment: This sequence change replaces glutamic acid, which is acidic and polar, with lysine, which is basic and polar, at codon 34 of the KLF1 protein (p.Glu34Lys). The frequency data for this variant in the population databases is considered unreliable, as metrics indicate poor data quality at this position in the gnomAD database. This variant has not been reported in the literature in individuals affected with KLF1-related conditions. Advanced modeling of protein sequence and biophysical properties (such as structural, functional, and spatial information, amino acid conservation, physicochemical variation, residue mobility, and thermodynamic stability) performed at Invitae indicates that this missense variant is not expected to disrupt KLF1 protein function. In summary, the available evidence is currently insufficient to determine the role of this variant in disease. Therefore, it has been classified as a Variant of Uncertain Significance.